The following is an entry in ClinVar:

NM_001421.4(ELF4):c.82G>T (p.Asp28Tyr)

Gene: ELF4 (E74 like ETS transcription factor 4; minus strand). Cytogenetic location: Xq26.1.
Variant type: single nucleotide variant.
Coding change: c.82G>T on transcript NM_001421.4 (MANE Select); coding-DNA position 82, G replaced by T.
Protein change: p.Asp28Tyr; replaces aspartic acid 28 with tyrosine.
Molecular consequence: missense variant.
Genome position (GRCh38, 1-based): chrX:130,074,746, C>A on the plus strand (G>T on the coding strand, the complement: ELF4 is on the minus strand). VCF-style: chrX-130074746-C-A. GRCh37 (hg19) VCF-style: chrX-129208721-C-A.
Other names: c.82G>T, p.Asp28Tyr (NM_001127197.2, NM_001440765.1, NM_001440766.1); short protein forms D28Y.
Identifiers: ClinVar variation 5010029 (VCV005010029.1).

ClinVar aggregate classification (germline): Uncertain significance (1 of 4 stars; one submission).

Submission:

GeneDx
Classification: Uncertain significance. Last evaluated: 2026-02-27. Review status: criteria provided, single submitter. Criteria: GeneDx Variant Classification Process June 2021. Collection method: clinical testing. Allele origin: germline.
Comment: Not observed at significant frequency in large population cohorts (gnomAD); In silico analysis supports that this missense variant has a deleterious effect on protein structure/function; In silico analysis suggests this variant may impact gene splicing. In the absence of RNA/functional studies, the actual effect of this sequence change is unknown.; Has not been previously published as pathogenic or benign to our knowledge